The following is an entry in ClinVar:

NM_004341.5(CAD):c.1769del (p.Val590fs)

Gene: CAD (carbamoyl-phosphate synthetase 2, aspartate transcarbamylase, and dihydroorotase; plus strand). Cytogenetic location: 2p23.3.
Variant type: Deletion.
Coding change: c.1769del on transcript NM_004341.5 (MANE Select); coding-DNA position 1769, one base deleted (T; older notation c.1769delT).
Protein change: p.Val590fs; shifts the reading frame from valine 590.
Molecular consequence: frameshift variant.
Genome position (GRCh38, 1-based): chr2:27,225,853, T deleted. VCF-style (leftmost placement, unchanged base first): chr2-27225852-GT-G. GRCh37 (hg19) VCF-style: chr2-27448720-GT-G.
Other names: c.1769del, p.Val590fs (NM_001306079.2); short protein forms V590fs.
Identifiers: ClinVar variation 2098540 (VCV002098540.4), dbSNP rs2465303427, ClinGen allele CA2580066236.

ClinVar aggregate classification (germline): Pathogenic (1 of 4 stars; one submission).

Submission:

Labcorp Genetics (formerly Invitae), Labcorp
Classification: Pathogenic. Last evaluated: 2024-06-03. Review status: criteria provided, single submitter. Criteria: Invitae Variant Classification Sherloc (09022015). Collection method: clinical testing. Allele origin: germline.
Comment: This sequence change creates a premature translational stop signal (p.Val590Glufs*5) in the CAD gene. It is expected to result in an absent or disrupted protein product. Loss-of-function variants in CAD are known to be pathogenic (PMID: 28007989, 32117025, 32820246, 33497533). This variant is not present in population databases (gnomAD no frequency). This variant has not been reported in the literature in individuals affected with CAD-related conditions. ClinVar contains an entry for this variant (Variation ID: 2098540). For these reasons, this variant has been classified as Pathogenic.

Literature cited by the submitters: PubMed 28007989; PubMed 32117025; PubMed 32820246; PubMed 33497533.